The following is an entry in ClinVar:

NM_001128178.3(NPHP1):c.771+18T>A

Gene: NPHP1 (nephrocystin 1; minus strand). Cytogenetic location: 2q13.
Variant type: single nucleotide variant.
Coding change: c.771+18T>A on transcript NM_001128178.3 (MANE Select); 18 bases into the intron after coding-DNA position 771, T replaced by A.
Molecular consequence: intron variant. On other transcripts: synonymous variant (2).
Genome position (GRCh38, 1-based): chr2:110,164,670, A>T on the plus strand (T>A on the coding strand, the complement: NPHP1 is on the minus strand). VCF-style: chr2-110164670-A-T. GRCh37 (hg19) VCF-style: chr2-110922247-A-T.
Other names: c.789T>A, p.Leu263= (NM_000272.5, NM_207181.4); c.585+18T>A (NM_001128179.3); c.771+18T>A (NM_001374256.1, NM_001374257.1).
Identifiers: ClinVar variation 848923 (VCV000848923.20), dbSNP rs1446639138, ClinGen allele CA427918962.

ClinVar aggregate classification (germline): Likely benign. Review status: criteria provided, multiple submitters, no conflicts (2 of 4 stars). 3 submissions from 3 submitters: Likely benign (3). Last evaluated 2026-01-13.

Conditions:
NPHP1-related disorder. Also called: NPHP1-related condition; NPHP1-related disorders.
Nephronophthisis. Also called: Juvenile Nephronophthisis. Identifiers: Orphanet 655, MedGen C0687120, MONDO:0019005, HP:0000090.

Allele frequency attached by ClinVar (database versions not stated): gnomAD exomes below 0.00001 and 0.00001; gnomAD 0.00001.
gnomAD v4.1: 3 of 1,613,912 alleles (0.00019%); highest among the groups gnomAD compares: Admixed American, 0.005%; no homozygotes.

Submissions (3):

PreventionGenetics, part of Exact Sciences
Classification: Likely benign for NPHP1-related condition. Last evaluated: 2026-01-13. Review status: criteria provided, single submitter. Criteria: ACMG Guidelines, 2015. Collection method: clinical testing. Allele origin: germline.
Comment: This variant is classified as likely benign based on ACMG/AMP sequence variant interpretation guidelines (Richards et al. 2015 PMID: 25741868, with internal and published modifications).

Labcorp Genetics (formerly Invitae), Labcorp
Classification: Likely benign for Nephronophthisis. Last evaluated: 2025-09-28. Review status: criteria provided, single submitter. Criteria: Invitae Variant Classification Sherloc (09022015). Collection method: clinical testing. Allele origin: germline.

CeGaT Center for Human Genetics Tuebingen
Classification: Likely benign. Last evaluated: 2025-06-01. Review status: criteria provided, single submitter. Criteria: CeGaT Center For Human Genetics Tuebingen Variant Classification Criteria Version 2. Collection method: clinical testing. Allele origin: germline. Affected: yes. Observed: 1 variant allele.
Comment: NPHP1: BP4, BP7